The following is an entry in ClinVar:

NM_030665.4(RAI1):c.4329G>A (p.Ala1443=)

Gene: RAI1 (retinoic acid induced 1; plus strand). Cytogenetic location: 17p11.2.
Variant type: single nucleotide variant.
Coding change: c.4329G>A on transcript NM_030665.4 (MANE Select); coding-DNA position 4329, G replaced by A.
Protein change: p.Ala1443=; no amino-acid change (alanine 1443 retained).
Molecular consequence: synonymous variant.
Genome position (GRCh38, 1-based): chr17:17,797,277, G>A. VCF-style: chr17-17797277-G-A. GRCh37 (hg19) VCF-style: chr17-17700591-G-A.
Identifiers: ClinVar variation 1333039 (VCV001333039.7), dbSNP rs374588661, ClinGen allele CA8418938.

ClinVar aggregate classification (germline): Likely benign. Review status: criteria provided, multiple submitters, no conflicts (2 of 4 stars). 3 submissions from 3 submitters: Likely benign (2). 1 of the submissions does not count toward it. Last evaluated 2025-06-27.

Conditions:
RAI1-related disorder. Also called: RAI1-related condition.

Allele frequency attached by ClinVar (database versions not stated): ExAC 0.00003; gnomAD exomes 0.00004 and 0.00005; gnomAD 0.00006 and 0.00007; TOPMed 0.00006; ESP Exome Variant Server 0.00008.
gnomAD v4.1: 67 of 1,612,838 alleles (0.0042%); highest among the groups gnomAD compares: African/African-American, 0.017%; 1 homozygote.

Submissions (3):

Labcorp Genetics (formerly Invitae), Labcorp
Classification: Likely benign. Last evaluated: 2025-06-27. Review status: criteria provided, single submitter. Criteria: Invitae Variant Classification Sherloc (09022015). Collection method: clinical testing. Allele origin: germline.

GeneDx
Classification: Likely benign. Last evaluated: 2021-04-02. Review status: criteria provided, single submitter. Criteria: GeneDx Variant Classification Process June 2021. Collection method: clinical testing. Allele origin: germline. Affected: yes.

PreventionGenetics, part of Exact Sciences
Classification: Likely benign for RAI1-related condition. Last evaluated: 2019-09-13. Review status: no assertion criteria provided. Collection method: clinical testing. Allele origin: germline. Not counted in ClinVar's aggregate classification.
Comment: This variant is classified as likely benign based on ACMG/AMP sequence variant interpretation guidelines (Richards et al. 2015 PMID: 25741868, with internal and published modifications).